The following is an entry in ClinVar:

NM_021930.6(RINT1):c.470G>A (p.Arg157His)

Gene: RINT1 (RAD50 interactor 1; plus strand). Cytogenetic location: 7q22.3.
Variant type: single nucleotide variant.
Coding change: c.470G>A on transcript NM_021930.6 (MANE Select); coding-DNA position 470, G replaced by A.
Protein change: p.Arg157His; replaces arginine 157 with histidine.
Molecular consequence: missense variant. On other transcripts: 5 prime UTR variant (3), non-coding transcript variant (1).
Genome position (GRCh38, 1-based): chr7:105,542,604, G>A. VCF-style: chr7-105542604-G-A. GRCh37 (hg19) VCF-style: chr7-105183051-G-A.
Other names: c.236G>A, p.Arg79His (NM_001346599.2); c.-550G>A (NM_001346600.2); c.-453G>A (NM_001346601.2); c.-73G>A (NM_001346603.2); short protein forms R157H, R79H.
Identifiers: ClinVar variation 1047439 (VCV001047439.12), dbSNP rs780455196, ClinGen allele CA164048688.

ClinVar aggregate classification (germline): Uncertain significance. Review status: criteria provided, multiple submitters, no conflicts (2 of 4 stars). 2 submissions from 2 submitters: Uncertain significance (2). Last evaluated 2025-09-01.

Allele frequency attached by ClinVar (database versions not stated): gnomAD 0.00003; TOPMed 0.00004.

Submissions (2):

Ambry Genetics
Classification: Uncertain significance. Last evaluated: 2025-09-01. Review status: criteria provided, single submitter. Criteria: Ambry Variant Classification Scheme 2023. Collection method: clinical testing. Allele origin: germline.
Comment: The p.R157H variant (also known as c.470G>A), located in coding exon 4 of the RINT1 gene, results from a G to A substitution at nucleotide position 470. The arginine at codon 157 is replaced by histidine, an amino acid with highly similar properties. This alteration was reported in 0/2024 breast and/or ovarian cancer cases and 1/1886 unaffected controls (Li N et al. Breast Cancer Res Treat, 2016 09;159:385-92). This amino acid position is well conserved in available vertebrate species. In addition, the in silico prediction for this alteration is inconclusive. Since supporting evidence is limited at this time, the clinical significance of this alteration remains unclear.

Labcorp Genetics (formerly Invitae), Labcorp
Classification: Uncertain significance. Last evaluated: 2024-07-08. Review status: criteria provided, single submitter. Criteria: Invitae Variant Classification Sherloc (09022015). Collection method: clinical testing. Allele origin: germline.
Comment: This sequence change replaces arginine, which is basic and polar, with histidine, which is basic and polar, at codon 157 of the RINT1 protein (p.Arg157His). This variant is present in population databases (no rsID available, gnomAD 0.006%). This variant has not been reported in the literature in individuals affected with RINT1-related conditions. ClinVar contains an entry for this variant (Variation ID: 1047439). An algorithm developed to predict the effect of missense changes on protein structure and function (PolyPhen-2) suggests that this variant is likely to be tolerated. In summary, the available evidence is currently insufficient to determine the role of this variant in disease. Therefore, it has been classified as a Variant of Uncertain Significance.

Literature cited by the submitters: PubMed 27544226 (cited by Ambry Genetics).